The following is an entry in ClinVar:

ClinVar aggregate classification (germline): Uncertain significance (1 of 4 stars; one submission).

Allele frequency attached by ClinVar (database versions not stated): gnomAD 0.00001; gnomAD exomes 0.00001; TOPMed 0.00002.
gnomAD v4.1: 13 of 1,612,878 alleles (0.00081%); highest among the groups gnomAD compares: African/African-American, 0.0053%; no homozygotes.

Submission:

Ambry Genetics
Classification: Uncertain significance. Last evaluated: 2023-05-07. Review status: criteria provided, single submitter. Criteria: Ambry Variant Classification Scheme 2023. Collection method: clinical testing. Allele origin: germline.
Comment: The p.R744Q variant (also known as c.2231G>A), located in coding exon 18 of the RAD54L gene, results from a G to A substitution at nucleotide position 2231. The arginine at codon 744 is replaced by glutamine, an amino acid with highly similar properties. This amino acid position is conserved. In addition, this alteration is predicted to be tolerated by in silico analysis. Since supporting evidence is limited at this time, the clinical significance of this alteration remains unclear.

NM_003579.4(RAD54L):c.2231G>A (p.Arg744Gln)

Genes: LRRC41 (leucine rich repeat containing 41; minus strand), RAD54L (RAD54 like; plus strand). Cytogenetic location: 1p34.1.
Variant type: single nucleotide variant.
Coding change: c.2231G>A on transcript NM_003579.4 (MANE Select); coding-DNA position 2231, G replaced by A.
Protein change: p.Arg744Gln; replaces arginine 744 with glutamine.
Molecular consequence: missense variant. On other transcripts: 3 prime UTR variant (1).
Genome position (GRCh38, 1-based): chr1:46,278,269, G>A. VCF-style: chr1-46278269-G-A. GRCh37 (hg19) VCF-style: chr1-46743941-G-A.
Other names: c.*596C>T (NM_006369.5); c.2231G>A, p.Arg744Gln (NM_001142548.2); c.1691G>A, p.Arg564Gln (NM_001370766.1); short protein forms R564Q, R744Q.
Identifiers: ClinVar variation 2560352 (VCV002560352.2), dbSNP rs955072829, ClinGen allele CA21900341.